The following is an entry in ClinVar:

ClinVar aggregate classification (germline): Uncertain significance (1 of 4 stars; one submission).

Conditions:
Neurofibromatosis, type 2 (SWNV). Also called: BILATERAL ACOUSTIC NEUROFIBROMATOSIS; NF2-Related Schwannomatosis; SCHWANNOMATOSIS, VESTIBULAR. Identifiers: Orphanet 637, MedGen C0027832, MONDO:0007039, OMIM 101000. Disease mechanism: loss of function.

Submission:

Labcorp Genetics (formerly Invitae), Labcorp
Classification: Uncertain significance for Neurofibromatosis, type 2. Last evaluated: 2024-12-10. Review status: criteria provided, single submitter. Criteria: Invitae Variant Classification Sherloc (09022015). Collection method: clinical testing. Allele origin: germline.
Comment: This sequence change falls in intron 15 of the NF2 gene. It does not directly change the encoded amino acid sequence of the NF2 protein. It affects a nucleotide within the consensus splice site. This variant is not present in population databases (gnomAD no frequency). This variant has not been reported in the literature in individuals affected with NF2-related conditions. Variants that disrupt the consensus splice site are a relatively common cause of aberrant splicing (PMID: 17576681, 9536098). Algorithms developed to predict the effect of sequence changes on RNA splicing suggest that this variant is not likely to affect RNA splicing. In summary, the available evidence is currently insufficient to determine the role of this variant in disease. Therefore, it has been classified as a Variant of Uncertain Significance.

Literature cited by the submitters: PubMed 17576681; PubMed 9536098.

NM_000268.4(NF2):c.1737+6del

Gene: NF2 (NF2, moesin-ezrin-radixin like (MERLIN) tumor suppressor; plus strand). Cytogenetic location: 22q12.2.
Variant type: Deletion.
Coding change: c.1737+6del on transcript NM_000268.4 (MANE Select); 6 bases into the intron after coding-DNA position 1737, one base deleted (C; older notation c.1737+6delC).
Molecular consequence: intron variant.
Genome position (GRCh38, 1-based): chr22:29,681,607, C deleted; the last of 3 consecutive C bases (chr22:29,681,605-29,681,607); deleting any one gives the same sequence. VCF-style (leftmost placement, unchanged base first): chr22-29681604-AC-A. GRCh37 (hg19) VCF-style: chr22-30077593-AC-A.
Other names: c.1737+6del (NM_016418.5, NM_181832.3, NM_001407066.1 and 1 more transcripts); c.1623+6del (NM_001407056.1, NM_001407053.1); c.1506+6del (NM_001407067.1); c.1203+6del (NM_001407065.1); c.1574+3284del (NM_001407060.1); c.1602+6del (NM_001407059.1, NM_001407057.1); c.448-13145del (NM_181833.3); c.1614+6del (NM_001407058.1, NM_181829.3, NM_001407054.1); and 4 more.
Identifiers: ClinVar variation 3726961 (VCV003726961.2).